The following is an entry in ClinVar:

ClinVar aggregate classification (germline): Pathogenic (1 of 4 stars; one submission).

Submission:

Labcorp Genetics (formerly Invitae), Labcorp
Classification: Pathogenic. Last evaluated: 2026-01-25. Review status: criteria provided, single submitter. Criteria: Invitae Variant Classification Sherloc (09022015). Collection method: clinical testing. Allele origin: germline.
Comment: This sequence change creates a premature translational stop signal (p.Arg422Profs*19) in the COL7A1 gene. It is expected to result in an absent or disrupted protein product. Loss-of-function variants in COL7A1 are known to be pathogenic (PMID: 16971478). This variant is not present in population databases (gnomAD no frequency). This premature translational stop signal has been observed in individual(s) with autosomal recessive dystrophic epidermolysis bullosa (PMID: 16971478, 19665875). This variant is also known as 1265insC. For these reasons, this variant has been classified as Pathogenic.

Literature cited by the submitters: PubMed 16971478; PubMed 19665875.

NM_000094.4(COL7A1):c.1264dup (p.Arg422fs)

Gene: COL7A1 (collagen type VII alpha 1 chain; minus strand). Cytogenetic location: 3p21.31.
Variant type: Duplication.
Coding change: c.1264dup on transcript NM_000094.4 (MANE Select); coding-DNA position 1264, one base duplicated (C; older notation c.1264dupC).
Protein change: p.Arg422fs; shifts the reading frame from arginine 422.
Molecular consequence: frameshift variant.
Genome position (GRCh38, 1-based): chr3:48,591,991, G duplicated on the plus strand (C on the coding strand, the reverse complement: COL7A1 is on the minus strand). VCF-style (leftmost placement, unchanged base first): chr3-48591990-C-CG. GRCh37 (hg19) VCF-style: chr3-48629423-C-CG.
Other names: short protein forms R422fs.
Identifiers: ClinVar variation 4747301 (VCV004747301.1).
Genomic context (GRCh38, chr3:48,591,990, plus strand): 5'-CGGGCCTCAGGCACCAAGTTCCAGGAAAGGAGGATGGATGTGGGGCCCAGGATGACCGGG[C>CG]GCAGGGTCTGCTCAACAGAAGCGTCTGCCCAGGGCACATGGGATGTCAGTGGCCTCCGGG-3'